The following is an entry in ClinVar:

NM_000512.5(GALNS):c.1365-285G>A

Genes: GALNS (galactosamine (N-acetyl)-6-sulfatase; minus strand), LOC126862447 (CDK7 strongly-dependent group 2 enhancer GRCh37_chr16:88884193-88885392; plus strand). Cytogenetic location: 16q24.3.
Variant type: single nucleotide variant.
Coding change: c.1365-285G>A on transcript NM_000512.5 (MANE Select); 285 bases into the intron before coding-DNA position 1365, G replaced by A.
Molecular consequence: intron variant.
Genome position (GRCh38, 1-based): chr16:88,818,409, C>T on the plus strand (G>A on the coding strand, the complement: GALNS is on the minus strand). VCF-style: chr16-88818409-C-T. GRCh37 (hg19) VCF-style: chr16-88884817-C-T.
Other names: c.810-285G>A (NM_001323543.2); c.1383-285G>A (NM_001323544.2).
Identifiers: ClinVar variation 684047 (VCV000684047.1), dbSNP rs3826071, ClinGen allele CA14257973.

ClinVar aggregate classification (germline): Benign (1 of 4 stars; one submission).

Allele frequency attached by ClinVar (database versions not stated): gnomAD 0.40967 and 0.41211; TOPMed 0.42499; 1000 Genomes Project 30x 0.47314; 1000 Genomes Project 0.47804.
gnomAD v4.1: 62,623 of 151,604 alleles (41%); highest among the groups gnomAD compares: East Asian, 63%; 13,262 homozygotes.

Submission:

GeneDx
Classification: Benign. Last evaluated: 2018-06-19. Review status: criteria provided, single submitter. Criteria: GeneDx Variant Classification (06012015). Collection method: clinical testing. Allele origin: germline. Affected: yes.
Comment: This variant is considered likely benign or benign based on one or more of the following criteria: it is a conservative change, it occurs at a poorly conserved position in the protein, it is predicted to be benign by multiple in silico algorithms, and/or has population frequency not consistent with disease.